The following is an entry in ClinVar:

NM_003072.5(SMARCA4):c.2783T>C (p.Leu928Pro)

Gene: SMARCA4 (SWI/SNF related BAF chromatin remodeling complex subunit ATPase 4; plus strand). Cytogenetic location: 19p13.2.
Variant type: single nucleotide variant.
Coding change: c.2783T>C on transcript NM_003072.5 (MANE Select); coding-DNA position 2783, T replaced by C.
Protein change: p.Leu928Pro; replaces leucine 928 with proline.
Molecular consequence: missense variant. On other transcripts: non-coding transcript variant (1).
Genome position (GRCh38, 1-based): chr19:11,021,891, T>C. VCF-style: chr19-11021891-T-C. GRCh37 (hg19) VCF-style: chr19-11132567-T-C.
Other names: c.2783T>C, p.Leu928Pro (NM_001128844.3, NM_001128845.2, NM_001128846.2 and 5 more transcripts); short protein forms L928P.
Identifiers: ClinVar variation 480625 (VCV000480625.16), dbSNP rs1555778801, ClinGen allele CA404056524.
Genomic context (GRCh38, chr19:11,021,891, plus strand): 5'-TGCTGACGGGCACACCGCTGCAGAACAAGCTTCCCGAGCTCTGGGCGCTGCTCAACTTCC[T>C]GCTGCCCACCATCTTCAAGAGCTGCAGCACCTTCGAGCAGTGGTTTAACGCACCCTTTGC-3'
Protein context (NP_003063.2, residues 918-938): LPELWALLNF[Leu928Pro]LPTIFKSCST

ClinVar aggregate classification (germline): Uncertain significance. Review status: criteria provided, multiple submitters, no conflicts (2 of 4 stars). 3 submissions from 3 submitters: Uncertain significance (3). Last evaluated 2021-07-15.

Conditions:
Intellectual disability, autosomal dominant 16 (CSS4). Also called: COFFIN-SIRIS SYNDROME 4. Identifiers: Orphanet 1465, MedGen C3553249, MONDO:0013821, OMIM 614609.
Hereditary cancer-predisposing syndrome. Also called: Hereditary Cancer Syndrome; Neoplastic Syndromes, Hereditary; Tumor predisposition; Hereditary neoplastic syndrome. Identifiers: Orphanet 140162, MedGen C0027672, MeSH D009386, MONDO:0015356.
Rhabdoid tumor predisposition syndrome 2 (RTPS2). Identifiers: Orphanet 231108, Orphanet 69077, MedGen C2750074, MONDO:0013224, OMIM 613325.

Submissions (3):

Genome-Nilou Lab
Classification: Uncertain significance for Intellectual disability, autosomal dominant 16. Last evaluated: 2021-07-15. Review status: criteria provided, single submitter. Criteria: ACMG Guidelines, 2015. Collection method: clinical testing. Allele origin: germline. Affected: no.

Labcorp Genetics (formerly Invitae), Labcorp
Classification: Uncertain significance for Rhabdoid tumor predisposition syndrome 2. Last evaluated: 2018-11-14. Review status: criteria provided, single submitter. Criteria: Invitae Variant Classification Sherloc (09022015). Collection method: clinical testing. Allele origin: germline.
Comment: In summary, the available evidence is currently insufficient to determine the role of this variant in disease. Therefore, it has been classified as a Variant of Uncertain Significance. Algorithms developed to predict the effect of missense changes on protein structure and function (SIFT, PolyPhen-2, Align-GVGD) all suggest that this variant is likely to be disruptive, but these predictions have not been confirmed by published functional studies and their clinical significance is uncertain. This variant has not been reported in the literature in individuals with SMARCA4-related disease. ClinVar contains an entry for this variant (Variation ID: 480625). This variant is not present in population databases (ExAC no frequency). This sequence change replaces leucine with proline at codon 928 of the SMARCA4 protein (p.Leu928Pro). The leucine residue is highly conserved and there is a moderate physicochemical difference between leucine and proline.

Ambry Genetics
Classification: Uncertain significance for Hereditary cancer-predisposing syndrome. Last evaluated: 2016-05-04. Review status: criteria provided, single submitter. Criteria: Ambry Variant Classification Scheme 2023. Collection method: clinical testing. Allele origin: germline.
Comment: The p.L928P variant (also known as c.2783T>C), located in coding exon 18 of the SMARCA4 gene, results from a T to C substitution at nucleotide position 2783. The leucine at codon 928 is replaced by proline, an amino acid with similar properties. This variant was not reported in population based cohorts in the following databases: Database of Single Nucleotide Polymorphisms (dbSNP), NHLBI Exome Sequencing Project (ESP), and 1000 Genomes Project. In the ESP, this variant was not observed in 6503 samples (13006 alleles) with coverage at this position. To date, this alteration has been detected with an allele frequency of approximately 0.003% (greater than 30000 alleles tested) in our clinical cohort. This amino acid position is highly conserved in available vertebrate species. In addition, this alteration is predicted to be deleterious by in silico analysis. Since supporting evidence is limited at this time, the clinical significance of this alteration remains unclear.